The following is an entry in ClinVar:

ClinVar aggregate classification (germline): Conflicting classifications of pathogenicity. Review status: criteria provided, conflicting classifications (1 of 4 stars). 2 submissions from 2 submitters: Pathogenic (1); Uncertain significance (1). Last evaluated 2024-07-15.

Conditions:
Episodic kinesigenic dyskinesia (EKD). Also called: Paroxysmal kinesigenic dyskinesia. Identifiers: Orphanet 98809, MedGen C1868682, MONDO:0044202.

Submissions (2):

Labcorp Genetics (formerly Invitae), Labcorp
Classification: Pathogenic for Episodic kinesigenic dyskinesia. Last evaluated: 2024-07-15. Review status: criteria provided, single submitter. Criteria: Invitae Variant Classification Sherloc (09022015). Collection method: clinical testing. Allele origin: germline.
Comment: This sequence change replaces alanine, which is neutral and non-polar, with proline, which is neutral and non-polar, at codon 306 of the PRRT2 protein (p.Ala306Pro). This variant is not present in population databases (gnomAD no frequency). This missense change has been observed in individual(s) with benign familial neonatal-infantile seizures (Invitae). It has also been observed to segregate with disease in related individuals. ClinVar contains an entry for this variant (Variation ID: 536487). Advanced modeling of protein sequence and biophysical properties (such as structural, functional, and spatial information, amino acid conservation, physicochemical variation, residue mobility, and thermodynamic stability) performed at Invitae indicates that this missense variant is expected to disrupt PRRT2 protein function with a positive predictive value of 95%. This variant disrupts the p.Ala306 amino acid residue in PRRT2. Other variant(s) that disrupt this residue have been determined to be pathogenic (PMID: 23063574, 30392205, 31124310). This suggests that this residue is clinically significant, and that variants that disrupt this residue are likely to be disease-causing. For these reasons, this variant has been classified as Pathogenic.

GeneDx
Classification: Uncertain significance. Last evaluated: 2024-03-05. Review status: criteria provided, single submitter. Criteria: GeneDx Variant Classification Process June 2021. Collection method: clinical testing. Allele origin: germline. Affected: yes.
Comment: Not observed at significant frequency in large population cohorts (gnomAD); In silico analysis supports that this missense variant has a deleterious effect on protein structure/function; This variant is associated with the following publications: (PMID: 31193310)

Literature cited by the submitters: PubMed 23063574 (cited by Labcorp Genetics (formerly Invitae), Labcorp); PubMed 30392205 (cited by Labcorp Genetics (formerly Invitae), Labcorp); PubMed 31124310 (cited by Labcorp Genetics (formerly Invitae), Labcorp).

NM_145239.3(PRRT2):c.916G>C (p.Ala306Pro)

Genes: MVP-DT (MVP divergent transcript; minus strand), PRRT2 (proline rich transmembrane protein 2; plus strand). Cytogenetic location: 16p11.2.
Variant type: single nucleotide variant.
Coding change: c.916G>C on transcript NM_145239.3 (MANE Select); coding-DNA position 916, G replaced by C.
Protein change: p.Ala306Pro; replaces alanine 306 with proline.
Molecular consequence: missense variant. On other transcripts: 3 prime UTR variant (1).
Genome position (GRCh38, 1-based): chr16:29,814,369, G>C. VCF-style: chr16-29814369-G-C. GRCh37 (hg19) VCF-style: chr16-29825690-G-C.
Other names: c.916G>C, p.Ala306Pro (NM_001256442.2); c.*415G>C (NM_001256443.2); short protein forms A306P.
Identifiers: ClinVar variation 536487 (VCV000536487.12), dbSNP rs727504111, ClinGen allele CA395480578.
Genomic context (GRCh38, chr16:29,814,369, plus strand): 5'-CTCCACCCCTCGCCCTAACCCCAGTCCCGGAACAGCCTGCAGCAGGGGGACGTGGACGGG[G>C]CCCAGCGTCTGGGCCGGGTAGCCAAGCTCTTAAGCATCGTGGCGCTGGTGGGGGGAGTCC-3'
Protein context (NP_660282.2, residues 296-316): NSLQQGDVDG[Ala306Pro]QRLGRVAKLL